The following is an entry in ClinVar:

NM_001393797.1(ABCC12):c.2660C>T (p.Thr887Met)

Gene: ABCC12 (ATP binding cassette subfamily C member 12; minus strand). Cytogenetic location: 16q12.1.
Variant type: single nucleotide variant.
Coding change: c.2660C>T on transcript NM_001393797.1 (MANE Select); coding-DNA position 2660, C replaced by T.
Protein change: p.Thr887Met; replaces threonine 887 with methionine.
Molecular consequence: missense variant. On other transcripts: non-coding transcript variant (6).
Genome position (GRCh38, 1-based): chr16:48,105,152, G>A on the plus strand (C>T on the coding strand, the complement: ABCC12 is on the minus strand). VCF-style: chr16-48105152-G-A. GRCh37 (hg19) VCF-style: chr16-48139063-G-A.
Other names: c.2660C>T, p.Thr887Met (NM_033226.3); short protein forms T887M.
Identifiers: ClinVar variation 4981519 (VCV004981519.1).

ClinVar aggregate classification (germline): Uncertain significance (1 of 4 stars; one submission).

Conditions:
ABCC12-related condition.

gnomAD v4.1: 210 of 1,614,158 alleles (0.013%); highest among the groups gnomAD compares: African/African-American, 0.18%; no homozygotes.

Submission:

PreventionGenetics, part of Exact Sciences
Classification: Uncertain significance for ABCC12-related condition. Last evaluated: 2026-02-12. Review status: criteria provided, single submitter. Criteria: ACMG Guidelines, 2015. Collection method: clinical testing. Allele origin: germline.
Comment: The ABCC12 c.2660C>T variant is predicted to result in the amino acid substitution p.Thr887Met. To our knowledge, this variant has not been reported in the literature. This variant is reported in 0.14% of alleles in individuals of African descent in gnomAD, which is likely too common for an undocumented disease-causing variant. Although we suspect that this variant may be benign, at this time, the clinical significance of this variant is uncertain due to the absence of conclusive functional and genetic evidence.